The following is an entry in ClinVar:

NM_000214.3(JAG1):c.3328A>G (p.Asn1110Asp)

Gene: JAG1 (jagged canonical Notch ligand 1; minus strand). Cytogenetic location: 20p12.2.
Variant type: single nucleotide variant.
Coding change: c.3328A>G on transcript NM_000214.3 (MANE Select); coding-DNA position 3328, A replaced by G.
Protein change: p.Asn1110Asp; replaces asparagine 1110 with aspartic acid.
Molecular consequence: missense variant.
Genome position (GRCh38, 1-based): chr20:10,639,827, T>C on the plus strand (A>G on the coding strand, the complement: JAG1 is on the minus strand). VCF-style: chr20-10639827-T-C. GRCh37 (hg19) VCF-style: chr20-10620475-T-C.
Other names: short protein forms N1110D.
Identifiers: ClinVar variation 2791347 (VCV002791347.3), dbSNP rs2514506575, ClinGen allele CA408243362.

ClinVar aggregate classification (germline): Uncertain significance (1 of 4 stars; one submission).

Conditions:
Alagille syndrome due to a JAG1 point mutation. Also called: JAG1-Related Alagille Syndrome; HEPATIC DUCTULAR HYPOPLASIA, SYNDROMATIC; Alagille Syndrome 1. Identifiers: Orphanet 261619, Orphanet 52, MedGen C1956125, MONDO:0016862, OMIM 118450.

Allele frequency attached by ClinVar (database versions not stated): gnomAD exomes below 0.00001.
gnomAD v4.1: 2 of 1,614,206 alleles (0.00012%); highest among the groups gnomAD compares: Non-Finnish European, 0.00017%; no homozygotes.

Submission:

Labcorp Genetics (formerly Invitae), Labcorp
Classification: Uncertain significance for Alagille syndrome due to a JAG1 point mutation. Last evaluated: 2022-12-26. Review status: criteria provided, single submitter. Criteria: Invitae Variant Classification Sherloc (09022015). Collection method: clinical testing. Allele origin: germline.
Comment: This sequence change replaces asparagine, which is neutral and polar, with aspartic acid, which is acidic and polar, at codon 1110 of the JAG1 protein (p.Asn1110Asp). This variant is not present in population databases (gnomAD no frequency). This variant has not been reported in the literature in individuals affected with JAG1-related conditions. Advanced modeling of protein sequence and biophysical properties (such as structural, functional, and spatial information, amino acid conservation, physicochemical variation, residue mobility, and thermodynamic stability) performed at Invitae indicates that this missense variant is not expected to disrupt JAG1 protein function. In summary, the available evidence is currently insufficient to determine the role of this variant in disease. Therefore, it has been classified as a Variant of Uncertain Significance.